The following is an entry in ClinVar:

NM_030962.4(SBF2):c.1930-10G>T

Genes: SBF2 (SET binding factor 2; minus strand), LOC101928008 (uncharacterized LOC101928008; plus strand). Cytogenetic location: 11p15.4.
Variant type: single nucleotide variant.
Coding change: c.1930-10G>T on transcript NM_030962.4 (MANE Select); 10 bases into the intron before coding-DNA position 1930, G replaced by T.
Molecular consequence: intron variant.
Genome position (GRCh38, 1-based): chr11:9,858,406, C>A on the plus strand (G>T on the coding strand, the complement: SBF2 is on the minus strand). VCF-style: chr11-9858406-C-A. GRCh37 (hg19) VCF-style: chr11-9879953-C-A.
Other names: c.1801-10G>T (NM_001386342.1); c.1930-10G>T (NM_001386339.1).
Identifiers: ClinVar variation 543494 (VCV000543494.12), dbSNP rs765561519, ClinGen allele CA5881675.

ClinVar aggregate classification (germline): Likely benign. Review status: criteria provided, multiple submitters, no conflicts (2 of 4 stars). 3 submissions from 3 submitters: Likely benign (3). Last evaluated 2025-11-27.

Conditions:
Charcot-Marie-Tooth disease type 4. Also called: Charcot-Marie-Tooth disease, type IV; Charcot-Marie-Tooth, Type 4. Identifiers: Orphanet 64749, MedGen C4082197, MONDO:0018995.
SBF2-related disorder. Also called: SBF2-related condition.

Allele frequency attached by ClinVar (database versions not stated): TOPMed 0.00002.
gnomAD v4.1: 118 of 1,613,900 alleles (0.0073%); highest among the groups gnomAD compares: Non-Finnish European, 0.0096%; no homozygotes.

Submissions (3):

Labcorp Genetics (formerly Invitae), Labcorp
Classification: Likely benign for Charcot-Marie-Tooth disease type 4. Last evaluated: 2025-11-27. Review status: criteria provided, single submitter. Criteria: Invitae Variant Classification Sherloc (09022015). Collection method: clinical testing. Allele origin: germline.

PreventionGenetics, part of Exact Sciences
Classification: Likely benign for SBF2-related condition. Last evaluated: 2025-06-12. Review status: criteria provided, single submitter. Criteria: ACMG Guidelines, 2015. Collection method: clinical testing. Allele origin: germline.
Comment: This variant is classified as likely benign based on ACMG/AMP sequence variant interpretation guidelines (Richards et al. 2015 PMID: 25741868, with internal and published modifications).

Athena Diagnostics
Classification: Likely benign. Last evaluated: 2020-10-30. Review status: criteria provided, single submitter. Criteria: Athena Diagnostics criteria. Collection method: clinical testing. Allele origin: unknown.